The following is an entry in ClinVar:

ClinVar aggregate classification (germline): Uncertain significance. Review status: criteria provided, multiple submitters, no conflicts (2 of 4 stars). 2 submissions from 2 submitters: Uncertain significance (2). Last evaluated 2024-03-07.

Conditions:
Ataxia-telangiectasia syndrome (AT). Also called: Ataxia-telangiectasia; LOUIS-BAR SYNDROME; Ataxia-telangiectasia, complementation group D; AT, COMPLEMENTATION GROUP C; ATAXIA-TELANGIECTASIA, COMPLEMENTATION GROUP A; ATAXIA-TELANGIECTASIA, FRESNO VARIANT. Identifiers: Orphanet 100, MedGen C0004135, MONDO:0008840, OMIM 208900.
Hereditary cancer-predisposing syndrome. Also called: Tumor predisposition; Neoplastic Syndromes, Hereditary; Hereditary Cancer Syndrome; Hereditary neoplastic syndrome. Identifiers: Orphanet 140162, MedGen C0027672, MeSH D009386, MONDO:0015356.

Allele frequency attached by ClinVar (database versions not stated): gnomAD exomes below 0.00001.
gnomAD v4.1: 2 of 1,609,816 alleles (0.00012%); highest among the groups gnomAD compares: Admixed American, 0.0033%; no homozygotes.

Submissions (2):

Color Diagnostics, LLC DBA Color Health
Classification: Uncertain significance for Hereditary cancer-predisposing syndrome. Last evaluated: 2024-03-07. Review status: criteria provided, single submitter. Criteria: ACMG Guidelines, 2015. Collection method: clinical testing. Allele origin: germline.
Comment: This missense variant replaces aspartic acid with histidine at codon 2110 of the ATM protein. Computational prediction suggests that this variant may have deleterious impact on protein structure and function (internally defined REVEL score threshold >= 0.7, PMID: 27666373). To our knowledge, functional studies have not been reported for this variant. This variant has not been reported in individuals affected with hereditary cancer in the literature. This variant has not been identified in the general population by the Genome Aggregation Database (gnomAD). The available evidence is insufficient to determine the role of this variant in disease conclusively. Therefore, this variant is classified as a Variant of Uncertain Significance.

Labcorp Genetics (formerly Invitae), Labcorp
Classification: Uncertain significance for Ataxia-telangiectasia syndrome. Last evaluated: 2023-07-25. Review status: criteria provided, single submitter. Criteria: Invitae Variant Classification Sherloc (09022015). Collection method: clinical testing. Allele origin: germline.
Comment: This sequence change replaces aspartic acid, which is acidic and polar, with histidine, which is basic and polar, at codon 2110 of the ATM protein (p.Asp2110His). This variant is not present in population databases (gnomAD no frequency). In summary, the available evidence is currently insufficient to determine the role of this variant in disease. Therefore, it has been classified as a Variant of Uncertain Significance. An algorithm developed to predict the effect of missense changes on protein structure and function (PolyPhen-2) suggests that this variant is likely to be disruptive. ClinVar contains an entry for this variant (Variation ID: 1332409). This variant has not been reported in the literature in individuals affected with ATM-related conditions.

NM_000051.4(ATM):c.6328G>C (p.Asp2110His)

Genes: ATM (ATM serine/threonine kinase; plus strand), C11orf65 (chromosome 11 open reading frame 65; minus strand). Cytogenetic location: 11q22.3.
Variant type: single nucleotide variant.
Coding change: c.6328G>C on transcript NM_000051.4 (MANE Select); coding-DNA position 6328, G replaced by C.
Protein change: p.Asp2110His; replaces aspartic acid 2110 with histidine.
Molecular consequence: missense variant. On other transcripts: intron variant (2).
Genome position (GRCh38, 1-based): chr11:108,317,502, G>C. VCF-style: chr11-108317502-G-C. GRCh37 (hg19) VCF-style: chr11-108188229-G-C.
Other names: c.6328G>C, p.Asp2110His (NM_001351834.2); c.641-8431C>G (NM_001330368.2); c.*39-8431C>G (NM_001351110.2); short protein forms D2110H.
Identifiers: ClinVar variation 1332409 (VCV001332409.7), dbSNP rs2136169784, ClinGen allele CA382552251.